The following is an entry in ClinVar:

NM_005612.5(REST):c.2909T>A (p.Val970Asp)

Gene: REST (RE1 silencing transcription factor; plus strand). Cytogenetic location: 4q12.
Variant type: single nucleotide variant.
Coding change: c.2909T>A on transcript NM_005612.5 (MANE Select); coding-DNA position 2909, T replaced by A.
Protein change: p.Val970Asp; replaces valine 970 with aspartic acid.
Molecular consequence: missense variant.
Genome position (GRCh38, 1-based): chr4:56,931,767, T>A. VCF-style: chr4-56931767-T-A. GRCh37 (hg19) VCF-style: chr4-57797933-T-A.
Other names: c.2909T>A, p.Val970Asp (NM_001193508.2, NM_001363453.3); short protein forms V970D.
Identifiers: ClinVar variation 1043280 (VCV001043280.10), dbSNP rs761587815, ClinGen allele CA2932580.

ClinVar aggregate classification (germline): Uncertain significance. Review status: criteria provided, multiple submitters, no conflicts (2 of 4 stars). 2 submissions from 2 submitters: Uncertain significance (2). Last evaluated 2024-01-31.

Allele frequency attached by ClinVar (database versions not stated): gnomAD 0.00001; TOPMed 0.00001; gnomAD exomes 0.00005 and 0.00006; ExAC 0.00013.
gnomAD v4.1: 30 of 1,614,090 alleles (0.0019%); highest among the groups gnomAD compares: Non-Finnish European, 0.0024%; no homozygotes.

Submissions (2):

Labcorp Genetics (formerly Invitae), Labcorp
Classification: Uncertain significance. Last evaluated: 2024-01-31. Review status: criteria provided, single submitter. Criteria: Invitae Variant Classification Sherloc (09022015). Collection method: clinical testing. Allele origin: germline.
Comment: This sequence change replaces valine, which is neutral and non-polar, with aspartic acid, which is acidic and polar, at codon 970 of the REST protein (p.Val970Asp). This variant is present in population databases (rs761587815, gnomAD 0.01%). This variant has not been reported in the literature in individuals affected with REST-related conditions. ClinVar contains an entry for this variant (Variation ID: 1043280). An algorithm developed to predict the effect of missense changes on protein structure and function (PolyPhen-2) suggests that this variant is likely to be tolerated. In summary, the available evidence is currently insufficient to determine the role of this variant in disease. Therefore, it has been classified as a Variant of Uncertain Significance.

GeneDx
Classification: Uncertain significance. Last evaluated: 2021-04-06. Review status: criteria provided, single submitter. Criteria: GeneDx Variant Classification Process June 2021. Collection method: clinical testing. Allele origin: germline. Affected: yes.
Comment: Has not been previously published as pathogenic or benign to our knowledge; In silico analysis supports that this missense variant does not alter protein structure/function